The following is an entry in ClinVar:

ClinVar aggregate classification (germline): Uncertain significance (1 of 4 stars; one submission).

Submission:

GeneDx
Classification: Uncertain significance. Last evaluated: 2025-08-04. Review status: criteria provided, single submitter. Criteria: GeneDx Variant Classification Process June 2021. Collection method: clinical testing. Allele origin: germline. Affected: yes.
Comment: Not observed at significant frequency in large population cohorts (gnomAD); In silico analysis suggests that this missense variant does not alter protein structure/function; Has not been previously published as pathogenic or benign to our knowledge

NM_005859.5(PURA):c.173C>G (p.Thr58Arg)

Gene: PURA (purine rich element binding protein A; plus strand). Cytogenetic location: 5q31.3.
Variant type: single nucleotide variant.
Coding change: c.173C>G on transcript NM_005859.5 (MANE Select); coding-DNA position 173, C replaced by G.
Protein change: p.Thr58Arg; replaces threonine 58 with arginine.
Molecular consequence: missense variant.
Genome position (GRCh38, 1-based): chr5:140,114,354, C>G. VCF-style: chr5-140114354-C-G. GRCh37 (hg19) VCF-style: chr5-139493939-C-G.
Other names: short protein forms T58R.
Identifiers: ClinVar variation 4755865 (VCV004755865.1).